The following is an entry in ClinVar:

ClinVar aggregate classification (germline): Benign/Likely benign. Review status: criteria provided, multiple submitters, no conflicts (2 of 4 stars). 4 submissions from 4 submitters: Benign (1); Likely benign (3). Last evaluated 2025-02-28.

Conditions:
Mitochondrial complex II deficiency, nuclear type 1. Also called: SUCCINATE CoQ REDUCTASE DEFICIENCY. Identifiers: Orphanet 3208, MedGen C5700310, MONDO:0100294, OMIM 252011.
Pheochromocytoma/paraganglioma syndrome 5. Also called: Paragangliomas 5; SDHA-Related Hereditary Paraganglioma-Pheochromocytoma Syndrome. Identifiers: Orphanet 29072, MedGen C3279992, MONDO:0013602, OMIM 614165.
Hereditary cancer-predisposing syndrome. Also called: Tumor predisposition; Neoplastic Syndromes, Hereditary; Hereditary Cancer Syndrome; Hereditary neoplastic syndrome. Identifiers: Orphanet 140162, MedGen C0027672, MeSH D009386, MONDO:0015356.

Allele frequency attached by ClinVar (database versions not stated): gnomAD exomes below 0.00001.
gnomAD v4.1: 5 of 1,452,844 alleles (0.00034%); highest among the groups gnomAD compares: Non-Finnish European, 0.00036%; no homozygotes.

Submissions (4):

Myriad Genetics, Inc.
Classification: Benign for Pheochromocytoma/paraganglioma syndrome 5. Last evaluated: 2025-02-28. Review status: criteria provided, single submitter. Criteria: Myriad Autosomal Dominant, Autosomal Recessive and X-Linked Classification Criteria (2023). Collection method: clinical testing. Allele origin: unknown.
Comment: This variant is considered benign. This variant is a silent/synonymous amino acid change and it is not expected to impact splicing.

CeGaT Center for Human Genetics Tuebingen
Classification: Likely benign. Last evaluated: 2024-12-01. Review status: criteria provided, single submitter. Criteria: CeGaT Center For Human Genetics Tuebingen Variant Classification Criteria Version 2. Collection method: clinical testing. Allele origin: germline. Affected: yes. Observed: 1 variant allele.
Comment: SDHA: BP4, BP7

Labcorp Genetics (formerly Invitae), Labcorp
Classification: Likely benign for Pheochromocytoma/paraganglioma syndrome 5; Mitochondrial complex II deficiency, nuclear type 1. Last evaluated: 2022-12-31. Review status: criteria provided, single submitter. Criteria: Invitae Variant Classification Sherloc (09022015). Collection method: clinical testing. Allele origin: germline.

Ambry Genetics
Classification: Likely benign for Hereditary cancer-predisposing syndrome. Last evaluated: 2022-01-10. Review status: criteria provided, single submitter. Criteria: Ambry Variant Classification Scheme 2023. Collection method: clinical testing. Allele origin: germline.

NM_004168.4(SDHA):c.33G>T (p.Leu11=)

Gene: SDHA (succinate dehydrogenase complex flavoprotein subunit A; plus strand). Cytogenetic location: 5p15.33.
Variant type: single nucleotide variant.
Coding change: c.33G>T on transcript NM_004168.4 (MANE Select); coding-DNA position 33, G replaced by T.
Protein change: p.Leu11=; no amino-acid change (leucine 11 retained).
Molecular consequence: synonymous variant.
Genome position (GRCh38, 1-based): chr5:218,388, G>T. VCF-style: chr5-218388-G-T. GRCh37 (hg19) VCF-style: chr5-218503-G-T.
Other names: c.33G>T, p.Leu11= (NM_001294332.2, NM_001330758.2).
Identifiers: ClinVar variation 1540133 (VCV001540133.23), dbSNP rs1139423, ClinGen allele CA442689552.